The following is an entry in ClinVar:

NM_000426.4(LAMA2):c.8294A>T (p.Gln2765Leu)

Genes: LAMA2 (laminin subunit alpha 2; plus strand), LOC126859784 (CDK7 strongly-dependent group 2 enhancer GRCh37_chr6:129822854-129824053; plus strand). Cytogenetic location: 6q22.33.
Variant type: single nucleotide variant.
Coding change: c.8294A>T on transcript NM_000426.4 (MANE Select); coding-DNA position 8294, A replaced by T.
Protein change: p.Gln2765Leu; replaces glutamine 2765 with leucine.
Molecular consequence: missense variant.
Genome position (GRCh38, 1-based): chr6:129,502,708, A>T. VCF-style: chr6-129502708-A-T. GRCh37 (hg19) VCF-style: chr6-129823853-A-T.
Other names: c.8282A>T, p.Gln2761Leu (NM_001079823.2); short protein forms Q2761L, Q2765L.
Identifiers: ClinVar variation 1516816 (VCV001516816.8), dbSNP rs2114888831, ClinGen allele CA365633761.
Genomic context (GRCh38, chr6:129,502,708, plus strand): 5'-GTATTTTACAGGGTCCTTGTGCTGCAGAATCAGAACCAGCTCTTTTGATAGGGAGCAAGC[A>T]GTTCGGGCTTTCAAGAAACAGTCACATTGCAATTGCATTTGATGACACCAAAGTTAAAAA-3'
Protein context (NP_000417.3, residues 2755-2775): SEPALLIGSK[Gln2765Leu]FGLSRNSHIA

ClinVar aggregate classification (germline): Uncertain significance (1 of 4 stars; one submission).

Conditions:
LAMA2-related muscular dystrophy (LAMA2-RD). Also called: Laminin alpha 2-related dystrophy. Identifiers: MedGen C5679788, MONDO:0100228.

Submission:

Labcorp Genetics (formerly Invitae), Labcorp
Classification: Uncertain significance for LAMA2-related muscular dystrophy. Last evaluated: 2022-02-08. Review status: criteria provided, single submitter. Criteria: Invitae Variant Classification Sherloc (09022015). Collection method: clinical testing. Allele origin: germline.
Comment: In summary, the available evidence is currently insufficient to determine the role of this variant in disease. Therefore, it has been classified as a Variant of Uncertain Significance. Advanced modeling of protein sequence and biophysical properties (such as structural, functional, and spatial information, amino acid conservation, physicochemical variation, residue mobility, and thermodynamic stability) performed at Invitae indicates that this missense variant is not expected to disrupt LAMA2 protein function. This variant has not been reported in the literature in individuals affected with LAMA2-related conditions. This variant is not present in population databases (gnomAD no frequency). This sequence change replaces glutamine, which is neutral and polar, with leucine, which is neutral and non-polar, at codon 2765 of the LAMA2 protein (p.Gln2765Leu).